The following is an entry in ClinVar:

ClinVar aggregate classification (germline): Likely benign (1 of 4 stars; one submission).

Submission:

Laboratory for Molecular Medicine, Mass General Brigham Personalized Medicine
Classification: Likely benign. Last evaluated: 2015-12-24. Review status: criteria provided, single submitter. Criteria: LMM Criteria. Collection method: clinical testing. Allele origin: germline. Observed: 2 variant alleles.
Comment: p.Glu607[17] in exon 2 of the TPRN gene: This variant is not expected to have cl inical significance because it results in an in-frame insertion of 2 glutamic ac id (Glu) residues in a poly-glutamic acid tract, and several in-frame duplicatio ns and deletions of Glu residues have been identified in the general population at relatively high frequencies, indicating that a variable number of glutamic ac id (Glu) repeats is likely tolerated in this region. This variant has been ident ified in 11/87600 chromosomes by the Exome Aggregation Consortium (ExAC; dbSNP rs139510609).

NM_001128228.3(TPRN):c.1818GGA[11] (p.Glu620_Glu621dup)

Gene: TPRN (taperin; minus strand). Cytogenetic location: 9q34.3.
Variant type: Microsatellite.
Coding change: c.1818GGA[11] on transcript NM_001128228.3 (MANE Select); 11 copies in a row of the 3-base unit GGA starting at c.1818; the reference has nine copies in a row; two copies, 6 bases duplicated.
Protein change: p.Glu620_Glu621dup.
Molecular consequence: inframe insertion.
Genome position (GRCh38, 1-based): chr9:137,192,573-137,192,578, TCCTCC duplicated on the plus strand (GGAGGA on the coding strand, the reverse complement: TPRN is on the minus strand); duplicating any 6 consecutive bases within chr9:137,192,573-137,192,600 gives the same sequence; the position shown is the placement nearest the transcript's 3' end. VCF-style (leftmost placement, unchanged base first): chr9-137192572-T-TTCCTCC. GRCh37 (hg19) VCF-style: chr9-140087024-T-TTCCTCC.
Other names: p.Glu621_Gly622insGluGlu.
Identifiers: ClinVar variation 228022 (VCV000228022.5), dbSNP rs376810326, ClinGen allele CA5362628.